The following is an entry in ClinVar:

NM_001387430.1(SH2B1):c.1873G>A (p.Val625Ile)

Gene: SH2B1 (SH2B adaptor protein 1; plus strand). Cytogenetic location: 16p11.2.
Variant type: single nucleotide variant.
Coding change: c.1873G>A on transcript NM_001387430.1 (MANE Select); coding-DNA position 1873, G replaced by A.
Protein change: p.Val625Ile; replaces valine 625 with isoleucine.
Molecular consequence: missense variant.
Genome position (GRCh38, 1-based): chr16:28,872,681, G>A. VCF-style: chr16-28872681-G-A. GRCh37 (hg19) VCF-style: chr16-28884002-G-A.
Other names: c.1873G>A, p.Val625Ile (NM_001145795.2, NM_001145796.2, NM_001145797.2 and 4 more transcripts); c.865G>A, p.Val289Ile (NM_001308294.2); short protein forms V289I, V625I.
Identifiers: ClinVar variation 3346515 (VCV003346515.2).

ClinVar aggregate classification (germline): Uncertain significance. Review status: criteria provided, single submitter (1 of 4 stars). 2 submissions from 2 submitters: Uncertain significance (1). 1 of the submissions does not count toward it. Last evaluated 2026-03-20.

Conditions:
SH2B1-related disorder. Also called: SH2B1-related condition.

gnomAD v4.1: 1 of 1,614,176 alleles (0.000062%); highest among the groups gnomAD compares: Non-Finnish European, 0.000085%; no homozygotes.

Submissions (2):

GeneDx
Classification: Uncertain significance. Last evaluated: 2026-03-20. Review status: criteria provided, single submitter. Criteria: GeneDx Variant Classification Process June 2021. Collection method: clinical testing. Allele origin: germline.
Comment: Not observed at significant frequency in large population cohorts (gnomAD); In silico analysis suggests that this missense variant does not alter protein structure/function; Has not been previously published as pathogenic or benign to our knowledge

PreventionGenetics, part of Exact Sciences
Classification: Uncertain significance for SH2B1-related condition. Last evaluated: 2024-04-04. Review status: no assertion criteria provided. Collection method: clinical testing. Allele origin: germline. Not counted in ClinVar's aggregate classification.
Comment: The SH2B1 c.1873G>A variant is predicted to result in the amino acid substitution p.Val625Ile. To our knowledge, this variant has not been reported in the literature. This variant is reported in 0.00088% of alleles in individuals of European (Non-Finnish) descent in gnomAD. At this time, the clinical significance of this variant is uncertain due to the absence of conclusive functional and genetic evidence.